The following is an entry in ClinVar:

ClinVar aggregate classification (germline): Likely pathogenic (1 of 4 stars; one submission).

Conditions:
EGFR-related lung cancer (EGFR). Identifiers: MedGen CN130014.

Submission:

Labcorp Genetics (formerly Invitae), Labcorp
Classification: Likely pathogenic for EGFR-related lung cancer. Last evaluated: 2021-09-28. Review status: criteria provided, single submitter. Criteria: Invitae Variant Classification Sherloc (09022015). Collection method: clinical testing. Allele origin: germline.
Comment: This variant has not been reported in the literature in individuals affected with EGFR-related conditions. This variant is not present in population databases (ExAC no frequency). This sequence change affects an acceptor splice site in intron 24 of the EGFR gene. It is expected to disrupt RNA splicing. Variants that disrupt the donor or acceptor splice site typically lead to a loss of protein function (PMID: 16199547), and loss-of-function variants in EGFR are known to be pathogenic (PMID: 7630400, 28726809, 29899996). Algorithms developed to predict the effect of sequence changes on RNA splicing suggest that this variant may disrupt the consensus splice site. In summary, the currently available evidence indicates that the variant is pathogenic, but additional data are needed to prove that conclusively. Therefore, this variant has been classified as Likely Pathogenic.

Literature cited by the submitters: PubMed 16199547; PubMed 7630400; PubMed 28726809; PubMed 29899996.

NM_005228.5(EGFR):c.2947-1G>A

Gene: EGFR (epidermal growth factor receptor; plus strand). Cytogenetic location: 7p11.2.
Variant type: single nucleotide variant.
Coding change: c.2947-1G>A on transcript NM_005228.5 (MANE Select); the canonical splice acceptor site of the intron before coding-DNA position 2947, G replaced by A.
Molecular consequence: splice acceptor variant.
Genome position (GRCh38, 1-based): chr7:55,201,187, G>A. VCF-style: chr7-55201187-G-A. GRCh37 (hg19) VCF-style: chr7-55268880-G-A.
Other names: c.2812-1G>A (NM_001346899.2, NM_001346897.2); c.2146-1G>A (NM_001346941.2); c.2947-1G>A (NM_001346898.2); c.2788-1G>A (NM_001346900.2).
Identifiers: ClinVar variation 1009989 (VCV001009989.7), dbSNP rs1787830570, ClinGen allele CA367582328.
Genomic context (GRCh38, chr7:55,201,187, plus strand): 5'-GCCAAGAAGTGGAATAGCATCTCTACGGGCCATTCTAATAGCCTCAAAATCTCTGCACCA[G>A]GGGGATGAAAGAATGCATTTGCCAAGTCCTACAGACTCCAACTTCTACCGTGCCCTGATG-3'